The following is an entry in ClinVar:

ClinVar aggregate classification (germline): Uncertain significance (1 of 4 stars; one submission).

Conditions:
Cystic fibrosis (CF). Also called: MUCOVISCIDOSIS. Identifiers: Orphanet 586, MedGen C0010674, MONDO:0009061, OMIM 219700. Disease mechanism: loss of function.

Allele frequency attached by ClinVar (database versions not stated): gnomAD exomes below 0.00001.
gnomAD v4.1: 1 of 1,614,044 alleles (0.000062%); highest among the groups gnomAD compares: South Asian, 0.0011%; no homozygotes.

Submission:

Ambry Genetics
Classification: Uncertain significance for Cystic fibrosis. Last evaluated: 2025-09-27. Review status: criteria provided, single submitter. Criteria: Ambry Variant Classification Scheme 2023. Collection method: clinical testing. Allele origin: germline.
Comment: The p.V1360I variant (also known as c.4078G>A), located in coding exon 25 of the CFTR gene, results from a G to A substitution at nucleotide position 4078. The valine at codon 1360 is replaced by isoleucine, an amino acid with highly similar properties. This amino acid position is conserved. In addition, the in silico prediction for this alteration is inconclusive. Since supporting evidence is limited at this time, the clinical significance of this alteration remains unclear.

NM_000492.4(CFTR):c.4078G>A (p.Val1360Ile)

Gene: CFTR (CF transmembrane conductance regulator; plus strand). Cytogenetic location: 7q31.2.
Variant type: single nucleotide variant.
Coding change: c.4078G>A on transcript NM_000492.4 (MANE Select); coding-DNA position 4078, G replaced by A.
Protein change: p.Val1360Ile; replaces valine 1360 with isoleucine.
Molecular consequence: missense variant.
Genome position (GRCh38, 1-based): chr7:117,664,802, G>A. VCF-style: chr7-117664802-G-A. GRCh37 (hg19) VCF-style: chr7-117304856-G-A.
Other names: short protein forms V1360I.
Identifiers: ClinVar variation 2624951 (VCV002624951.3), dbSNP rs1288541622, ClinGen allele CA368982707.